The following is an entry in ClinVar:

NM_012449.3(STEAP1):c.804C>T (p.His268=)

Genes: STEAP1 (STEAP family member 1; plus strand), STEAP2-AS1 (STEAP2 antisense RNA 1; minus strand). Cytogenetic location: 7q21.13.
Variant type: single nucleotide variant.
Coding change: c.804C>T on transcript NM_012449.3 (MANE Select); coding-DNA position 804, C replaced by T.
Protein change: p.His268=; no amino-acid change (histidine 268 retained).
Molecular consequence: synonymous variant.
Genome position (GRCh38, 1-based): chr7:90,164,518, C>T. VCF-style: chr7-90164518-C-T. GRCh37 (hg19) VCF-style: chr7-89793832-C-T.
Identifiers: ClinVar variation 770940 (VCV000770940.6), dbSNP rs61737475, ClinGen allele CA4332746.

ClinVar aggregate classification (germline): Benign. Review status: criteria provided, multiple submitters, no conflicts (2 of 4 stars). 3 submissions from 3 submitters: Benign (2). 1 of the submissions does not count toward it. Last evaluated 2018-05-04.

Conditions:
STEAP1-related disorder. Also called: STEAP1-related condition.

Allele frequency attached by ClinVar (database versions not stated): 1000 Genomes Project 30x 0.00234; 1000 Genomes Project 0.00240; TOPMed 0.00453; gnomAD 0.00470 and 0.00481; ESP Exome Variant Server 0.00523.

Submissions (3):

Labcorp Genetics (formerly Invitae), Labcorp
Classification: Benign. Last evaluated: 2018-05-04. Review status: criteria provided, single submitter. Criteria: Invitae Variant Classification Sherloc (09022015). Collection method: clinical testing. Allele origin: germline.

Breakthrough Genomics
Classification: Benign. Review status: criteria provided, single submitter. Criteria: ACMG Guidelines, 2015. Collection method: not provided. Allele origin: germline. Inheritance: Unknown mechanism. Affected: yes.

PreventionGenetics, part of Exact Sciences
Classification: Benign for STEAP1-related condition. Last evaluated: 2019-06-18. Review status: no assertion criteria provided. Collection method: clinical testing. Allele origin: germline. Not counted in ClinVar's aggregate classification.
Comment: This variant is classified as benign based on ACMG/AMP sequence variant interpretation guidelines (Richards et al. 2015 PMID: 25741868, with internal and published modifications).